The following is an entry in ClinVar:

NM_000108.5(DLD):c.1006A>G (p.Arg336Gly)

Gene: DLD (dihydrolipoamide dehydrogenase; plus strand). Cytogenetic location: 7q31.1.
Variant type: single nucleotide variant.
Coding change: c.1006A>G on transcript NM_000108.5 (MANE Select); coding-DNA position 1006, A replaced by G.
Protein change: p.Arg336Gly; replaces arginine 336 with glycine.
Molecular consequence: missense variant.
Genome position (GRCh38, 1-based): chr7:107,916,924, A>G. VCF-style: chr7-107916924-A-G. GRCh37 (hg19) VCF-style: chr7-107557369-A-G.
Other names: c.709A>G, p.Arg237Gly (NM_001289750.1); c.937A>G, p.Arg313Gly (NM_001289751.1); c.862A>G, p.Arg288Gly (NM_001289752.1); short protein forms R288G, R313G, R237G, R336G.
Identifiers: ClinVar variation 1426618 (VCV001426618.5), dbSNP rs776547214, ClinGen allele CA4434609.

ClinVar aggregate classification (germline): Uncertain significance (1 of 4 stars; one submission).

Conditions:
Pyruvate dehydrogenase E3 deficiency (DLDD). Also called: Dihydrolipoamide Dehydrogenase (E3) Deficiency; MAPLE SYRUP URINE DISEASE, TYPE III; Dihydrolipoamide Dehydrogenase Deficiency; Lipoamide dehydrogenase deficiency, lactic acidosis due to; Lipoamide dehydrogenase deficiency; DLD DEFICIENCY. Identifiers: Orphanet 2394, Orphanet 765, MedGen C5574660, MONDO:0009529, OMIM 246900.

Allele frequency attached by ClinVar (database versions not stated): gnomAD exomes below 0.00001; ExAC 0.00001.
gnomAD v4.1: 2 of 1,613,978 alleles (0.00012%); highest among the groups gnomAD compares: South Asian, 0.0011%; no homozygotes.

Submission:

Labcorp Genetics (formerly Invitae), Labcorp
Classification: Uncertain significance for Pyruvate dehydrogenase E3 deficiency. Last evaluated: 2022-07-11. Review status: criteria provided, single submitter. Criteria: Invitae Variant Classification Sherloc (09022015). Collection method: clinical testing. Allele origin: germline.
Comment: This sequence change replaces arginine, which is basic and polar, with glycine, which is neutral and non-polar, at codon 336 of the DLD protein (p.Arg336Gly). This variant is present in population databases (rs776547214, gnomAD 0.0009%). This variant has not been reported in the literature in individuals affected with DLD-related conditions. ClinVar contains an entry for this variant (Variation ID: 1426618). Algorithms developed to predict the effect of missense changes on protein structure and function (SIFT, PolyPhen-2, Align-GVGD) all suggest that this variant is likely to be disruptive. In summary, the available evidence is currently insufficient to determine the role of this variant in disease. Therefore, it has been classified as a Variant of Uncertain Significance.